The following is an entry in ClinVar:

NM_015512.5(DNAH1):c.529G>A (p.Val177Met)

Gene: DNAH1 (dynein axonemal heavy chain 1; plus strand). Cytogenetic location: 3p21.1.
Variant type: single nucleotide variant.
Coding change: c.529G>A on transcript NM_015512.5 (MANE Select); coding-DNA position 529, G replaced by A.
Protein change: p.Val177Met; replaces valine 177 with methionine.
Molecular consequence: missense variant.
Genome position (GRCh38, 1-based): chr3:52,326,262, G>A. VCF-style: chr3-52326262-G-A. GRCh37 (hg19) VCF-style: chr3-52360278-G-A.
Other names: short protein forms V177M.
Identifiers: ClinVar variation 2166858 (VCV002166858.2), dbSNP rs774452903, ClinGen allele CA2432664.

ClinVar aggregate classification (germline): Uncertain significance (1 of 4 stars; one submission).

Conditions:
Spermatogenic failure 18. Identifiers: MedGen C4539783, MONDO:0054615, OMIM 617576.
Ciliary dyskinesia, primary, 37 (CILD37). Also called: CILIARY DYSKINESIA, PRIMARY, 37, WITH OR WITHOUT SITUS INVERSUS. Identifiers: MedGen C4539798, MONDO:0033204, OMIM 617577.

Allele frequency attached by ClinVar (database versions not stated): gnomAD 0.00001; ExAC 0.00003.

Submission:

Labcorp Genetics (formerly Invitae), Labcorp
Classification: Uncertain significance for Ciliary dyskinesia, primary, 37; Spermatogenic failure 18. Last evaluated: 2022-04-01. Review status: criteria provided, single submitter. Criteria: Invitae Variant Classification Sherloc (09022015). Collection method: clinical testing. Allele origin: germline.
Comment: In summary, the available evidence is currently insufficient to determine the role of this variant in disease. Therefore, it has been classified as a Variant of Uncertain Significance. Algorithms developed to predict the effect of missense changes on protein structure and function are either unavailable or do not agree on the potential impact of this missense change (SIFT: "Deleterious"; PolyPhen-2: "Benign"; Align-GVGD: "Class C0"). This variant has not been reported in the literature in individuals affected with DNAH1-related conditions. This variant is present in population databases (rs774452903, gnomAD 0.005%). This sequence change replaces valine, which is neutral and non-polar, with methionine, which is neutral and non-polar, at codon 177 of the DNAH1 protein (p.Val177Met).